The following is an entry in ClinVar:

NM_000548.5(TSC2):c.4662+1G>T

Gene: TSC2 (TSC complex subunit 2; plus strand). Cytogenetic location: 16p13.3.
Variant type: single nucleotide variant.
Coding change: c.4662+1G>T on transcript NM_000548.5 (MANE Select); the canonical splice donor site of the intron after coding-DNA position 4662, G replaced by T.
Molecular consequence: splice donor variant.
Genome position (GRCh38, 1-based): chr16:2,085,323, G>T. VCF-style: chr16-2085323-G-T. GRCh37 (hg19) VCF-style: chr16-2135324-G-T.
Other names: c.4551+1G>T (NM_001406668.1); c.4062+1G>T (NM_001406680.1); c.3993+1G>T (NM_001406683.1, NM_001406682.1); c.3861+1G>T (NM_001406687.1, NM_001406688.1); c.3249+1G>T (NM_001406689.1); c.3189+1G>T (NM_001406690.1); c.3120+1G>T (NM_001406692.1, NM_001406694.1, NM_001406693.1); c.3186+1G>T (NM_001406691.1); and 26 more.
Identifiers: ClinVar variation 2580417 (VCV002580417.2), dbSNP rs45514095, ClinGen allele CA394305130.
Genomic context (GRCh38, chr16:2,085,323, plus strand): 5'-GACCAGATCCCATCATACGACACCCACAAGATCGCCGTCCTGTATGTTGGAGAAGGCCAG[G>T]TGAGGCTGCGGGGCCGGCCTAGGTGCCTGGACAGGGCCAGCTGGGCCTCAGCCTGCAGTG-3'

ClinVar aggregate classification (germline): Pathogenic. Review status: criteria provided, single submitter (1 of 4 stars). 2 submissions from 2 submitters: Pathogenic (1). 1 of the submissions does not count toward it. Last evaluated 2023-03-22.

Conditions:
Tuberous sclerosis 2 (TSC2). Identifiers: Orphanet 805, MedGen C1860707, MONDO:0013199, OMIM 613254.

Submissions (2):

GeneDx
Classification: Pathogenic. Last evaluated: 2023-03-22. Review status: criteria provided, single submitter. Criteria: GeneDx Variant Classification Process June 2021. Collection method: clinical testing. Allele origin: germline. Affected: yes.
Comment: Canonical splice site variant expected to result in aberrant splicing, although in the absence of functional evidence the actual effect of this sequence change is unknown.; Deletions involving coding exons of this gene are a known mechanism of disease (HGMD); Not observed at significant frequency in large population cohorts (gnomAD); This variant is associated with the following publications: (PMID: 27859028)

Zotz-Klimas Genetics Lab, MVZ Zotz Klimas
Classification: Pathogenic for Tuberous sclerosis 2. Last evaluated: 2023-10-09. Review status: no assertion criteria provided. Collection method: clinical testing. Allele origin: germline. Affected: yes. Not counted in ClinVar's aggregate classification.